The following is an entry in ClinVar:

ClinVar aggregate classification (germline): Uncertain significance (1 of 4 stars; one submission).

Conditions:
Dilated cardiomyopathy 1J (CMD1J). Also called: CARDIOMYOPATHY, DILATED, WITH SENSORINEURAL HEARING LOSS, AUTOSOMAL DOMINANT. Identifiers: Orphanet 217622, MedGen C1854368, MONDO:0011541, OMIM 605362.

Submission:

Labcorp Genetics (formerly Invitae), Labcorp
Classification: Uncertain significance for Dilated cardiomyopathy 1J. Last evaluated: 2024-08-14. Review status: criteria provided, single submitter. Criteria: Invitae Variant Classification Sherloc (09022015). Collection method: clinical testing. Allele origin: germline.
Comment: This sequence change replaces alanine, which is neutral and non-polar, with threonine, which is neutral and polar, at codon 156 of the EYA4 protein (p.Ala156Thr). This variant is not present in population databases (gnomAD no frequency). This variant has not been reported in the literature in individuals affected with EYA4-related conditions. Invitae Evidence Modeling of protein sequence and biophysical properties (such as structural, functional, and spatial information, amino acid conservation, physicochemical variation, residue mobility, and thermodynamic stability) indicates that this missense variant is not expected to disrupt EYA4 protein function with a negative predictive value of 80%. In summary, the available evidence is currently insufficient to determine the role of this variant in disease. Therefore, it has been classified as a Variant of Uncertain Significance.

NM_004100.5(EYA4):c.466G>A (p.Ala156Thr)

Gene: EYA4 (EYA transcriptional coactivator and phosphatase 4; plus strand). Cytogenetic location: 6q23.2.
Variant type: single nucleotide variant.
Coding change: c.466G>A on transcript NM_004100.5 (MANE Select); coding-DNA position 466, G replaced by A.
Protein change: p.Ala156Thr; replaces alanine 156 with threonine.
Molecular consequence: missense variant.
Genome position (GRCh38, 1-based): chr6:133,462,363, G>A. VCF-style: chr6-133462363-G-A. GRCh37 (hg19) VCF-style: chr6-133783501-G-A.
Other names: c.304G>A, p.Ala102Thr (NM_001301012.2, NM_001370459.1); c.466G>A, p.Ala156Thr (NM_001301013.2, NM_172105.4); c.397G>A, p.Ala133Thr (NM_001370458.1, NM_172103.4); short protein forms A102T, A156T, A133T.
Identifiers: ClinVar variation 3681669 (VCV003681669.2).